The following is an entry in ClinVar:

ClinVar aggregate classification (germline): Pathogenic (1 of 4 stars; one submission).

Conditions:
Ehlers-Danlos syndrome, classic type, 1 (EDSCL1). Also called: EDS I; EHLERS-DANLOS SYNDROME, GRAVIS TYPE; EHLERS-DANLOS SYNDROME, SEVERE CLASSIC TYPE; Ehlers-Danlos Syndrome, Classic Type, COL5A1-Related; Ehlers-Danlos syndrome, type 1. Identifiers: MedGen C0268335, MONDO:0019567, OMIM 130000.

Submission:

Labcorp Genetics (formerly Invitae), Labcorp
Classification: Pathogenic for Ehlers-Danlos syndrome, classic type, 1. Last evaluated: 2020-02-10. Review status: criteria provided, single submitter. Criteria: Invitae Variant Classification Sherloc (09022015). Collection method: clinical testing. Allele origin: germline.
Comment: For these reasons, this variant has been classified as Pathogenic. Loss-of-function variants in COL5A1 are known to be pathogenic (PMID: 23587214). This variant has not been reported in the literature in individuals with COL5A1-related disease. This variant is not present in population databases (ExAC no frequency). This sequence change creates a premature translational stop signal (p.Gln1643*) in the COL5A1 gene. It is expected to result in an absent or disrupted protein product.

Literature cited by the submitters: PubMed 23587214.

NM_000093.5(COL5A1):c.4927C>T (p.Gln1643Ter)

Genes: COL5A1 (collagen type V alpha 1 chain; plus strand), LOC101448202 (uncharacterized LOC101448202; minus strand). Cytogenetic location: 9q34.3.
Variant type: single nucleotide variant.
Coding change: c.4927C>T on transcript NM_000093.5 (MANE Select); coding-DNA position 4927, C replaced by T.
Protein change: p.Gln1643Ter; replaces glutamine 1643 with a stop codon.
Molecular consequence: nonsense.
Genome position (GRCh38, 1-based): chr9:134,824,828, C>T. VCF-style: chr9-134824828-C-T. GRCh37 (hg19) VCF-style: chr9-137716674-C-T.
Other names: c.4927C>T, p.Gln1643Ter (NM_001278074.1); short protein forms Q1643*.
Identifiers: ClinVar variation 658666 (VCV000658666.8), dbSNP rs1219304070, ClinGen allele CA375458744.
Genomic context (GRCh38, chr9:134,824,828, plus strand): 5'-GAGCAGATGAAACGGCCCCTGGGCACGCAGCAGAACCCCGCCCGCACCTGCAAGGACCTG[C>T]AGCTCTGCCACCCCGACTTCCCAGATGGTGAGGGCCTGGGGGGGCAGGGGTGGCCCCCCA-3'